The following is an entry in ClinVar:

NM_007294.4(BRCA1):c.5237A>G (p.His1746Arg)

Gene: BRCA1 (BRCA1 DNA repair associated; minus strand). Cytogenetic location: 17q21.31.
Variant type: single nucleotide variant.
Coding change: c.5237A>G on transcript NM_007294.4 (MANE Select); coding-DNA position 5237, A replaced by G.
Protein change: p.His1746Arg; replaces histidine 1746 with arginine.
Molecular consequence: missense variant. On other transcripts: non-coding transcript variant (1).
Genome position (GRCh38, 1-based): chr17:43,057,092, T>C on the plus strand (A>G on the coding strand, the complement: BRCA1 is on the minus strand). VCF-style: chr17-43057092-T-C. GRCh37 (hg19) VCF-style: chr17-41209109-T-C.
Other names: c.5024A>G, p.His1675Arg (NM_001407571.1, NM_001407900.1, NM_001407902.1 and 12 more transcripts); c.5303A>G, p.His1768Arg (NM_001407581.1, NM_001407582.1); c.5300A>G, p.His1767Arg (NM_001407583.1, NM_001407585.1, NM_001407587.1 and 1 more transcripts); c.5234A>G, p.His1745Arg (NM_001407610.1, NM_001407611.1, NM_001407612.1 and 17 more transcripts); c.5231A>G, p.His1744Arg (NM_001407629.1, NM_001407630.1, NM_001407631.1 and 14 more transcripts); c.5177A>G, p.His1726Arg (NM_001407649.1); c.5159A>G, p.His1720Arg (NM_001407652.1, NM_001407653.1, NM_001407654.1 and 1 more transcripts); c.5156A>G, p.His1719Arg (NM_001407656.1, NM_001407657.1, NM_001407658.1); and 72 more; short protein forms H642R, H1746R, H1699R, H1767R, H1577R, H1633R, H1656R, H1657R.
Identifiers: ClinVar variation 865189 (VCV000865189.3), dbSNP rs876659991, ClinGen allele CA10591067.

Conditions:
Breast-ovarian cancer, familial, susceptibility to, 1 (BROVCA1). Also called: BRCA1 Hereditary Breast and Ovarian Cancer; OVARIAN CANCER, SUSCEPTIBILITY TO. Identifiers: Orphanet 145, MedGen C2676676, MONDO:0011450, OMIM 604370. Disease mechanism: loss of function.

Submission:

Brotman Baty Institute, University of Washington
No classification provided (evidence only). Condition: Breast-ovarian cancer, familial 1. Review status: no classification provided. Collection method: in vitro. Allele origin: not applicable. Functional consequence: functionally_normal.
ClinVar note: "not provided" was previously submitted as the classification for the variant. However, the classification appeared to be based only on an observation of functional data so it was converted to no classification on 2025-07-30.